The following is an entry in ClinVar:

NM_022042.4(SLC26A1):c.1525C>T (p.Arg509Cys)

Genes: IDUA (alpha-L-iduronidase; plus strand), SLC26A1 (solute carrier family 26 member 1; minus strand). Cytogenetic location: 4p16.3.
Variant type: single nucleotide variant.
Coding change: c.1525C>T on transcript NM_022042.4 (MANE Select); coding-DNA position 1525, C replaced by T.
Protein change: p.Arg509Cys; replaces arginine 509 with cysteine.
Molecular consequence: missense variant. On other transcripts: intron variant (2).
Genome position (GRCh38, 1-based): chr4:989,414, G>A on the plus strand (C>T on the coding strand, the complement: SLC26A1 is on the minus strand). VCF-style: chr4-989414-G-A. GRCh37 (hg19) VCF-style: chr4-983202-G-A.
Other names: c.1525C>T, p.Arg509Cys (NM_213613.4); c.576+1714C>T (NM_134425.4); c.299+1465G>A (NM_000203.5); short protein forms R509C.
Identifiers: ClinVar variation 3591486 (VCV003591486.3).

ClinVar aggregate classification (germline): Uncertain significance. Review status: criteria provided, multiple submitters, no conflicts (2 of 4 stars). 2 submissions from 2 submitters: Uncertain significance (2). Last evaluated 2025-11-08.

Conditions:
Hypersulfaturia (HYSULF). Identifiers: MedGen C5830511, MONDO:0957268, OMIM 620372.
Nephrolithiasis susceptibility caused by SLC26A1 (CAON1). Also called: NEPHROLITHIASIS, CALCIUM OXALATE, 1. Identifiers: MedGen C5779632, MONDO:0020722, OMIM 167030.

gnomAD v4.1: 20 of 1,558,758 alleles (0.0013%); highest among the groups gnomAD compares: African/African-American, 0.0041%; no homozygotes.

Submissions (2):

Labcorp Genetics (formerly Invitae), Labcorp
Classification: Uncertain significance. Last evaluated: 2025-11-08. Review status: criteria provided, single submitter. Criteria: Invitae Variant Classification Sherloc (09022015). Collection method: clinical testing. Allele origin: germline.
Comment: This sequence change replaces arginine, which is basic and polar, with cysteine, which is neutral and slightly polar, at codon 509 of the SLC26A1 protein (p.Arg509Cys). This variant is present in population databases (rs766926909, gnomAD 0.01%). This variant has not been reported in the literature in individuals affected with SLC26A1-related conditions. ClinVar contains an entry for this variant (Variation ID: 3591486). Invitae Evidence Modeling of protein sequence and biophysical properties (such as structural, functional, and spatial information, amino acid conservation, physicochemical variation, residue mobility, and thermodynamic stability) has been performed for this missense variant. However, the output from this modeling did not meet the statistical confidence thresholds required to predict the impact of this variant on SLC26A1 protein function. In summary, the available evidence is currently insufficient to determine the role of this variant in disease. Therefore, it has been classified as a Variant of Uncertain Significance.

Fulgent Genetics
Classification: Uncertain significance for Nephrolithiasis susceptibility caused by SLC26A1; Hypersulfaturia. Last evaluated: 2024-05-24. Review status: criteria provided, single submitter. Criteria: ACMG Guidelines, 2015. Collection method: clinical testing. Allele origin: germline.